The following is an entry in ClinVar:

NM_001363118.2(SLC52A2):c.625G>A (p.Ala209Thr)

Gene: SLC52A2 (solute carrier family 52 member 2; plus strand). Cytogenetic location: 8q24.3.
Variant type: single nucleotide variant.
Coding change: c.625G>A on transcript NM_001363118.2 (MANE Select); coding-DNA position 625, G replaced by A.
Protein change: p.Ala209Thr; replaces alanine 209 with threonine.
Molecular consequence: missense variant. On other transcripts: non-coding transcript variant (1).
Genome position (GRCh38, 1-based): chr8:144,360,117, G>A. VCF-style: chr8-144360117-G-A. GRCh37 (hg19) VCF-style: chr8-145583777-G-A.
Other names: c.625G>A, p.Ala209Thr (NM_001253815.2, NM_001253816.2, NM_001363120.2 and 2 more transcripts); c.133G>A, p.Ala45Thr (NM_001363122.2); c.625G>A (NM_001253816.1); short protein forms A209T, A45T.
Identifiers: ClinVar variation 845792 (VCV000845792.5), dbSNP rs1554854096, ClinGen allele CA372627531.

ClinVar aggregate classification (germline): Uncertain significance. Review status: criteria provided, multiple submitters, no conflicts (2 of 4 stars). 2 submissions from 2 submitters: Uncertain significance (2). Last evaluated 2026-07-06.

Conditions:
Brown-Vialetto-van Laere syndrome 2. Also called: SPINOCEREBELLAR ATAXIA WITH BLINDNESS AND DEAFNESS 2; Riboflavin transporter deficiency type 2. Identifiers: Orphanet 572543, Orphanet 97229, MedGen C3553538, MONDO:0013867, OMIM 614707.
SLC52A2-related disorder. Also called: SLC52A2-related condition.

Allele frequency attached by ClinVar (database versions not stated): gnomAD 0.00001.

Submissions (2):

PreventionGenetics, part of Exact Sciences
Classification: Uncertain significance for SLC52A2-related condition. Last evaluated: 2026-07-06. Review status: criteria provided, single submitter. Criteria: ACMG Guidelines, 2015. Collection method: clinical testing. Allele origin: germline.
Comment: The SLC52A2 c.625G>A variant is predicted to result in the amino acid substitution p.Ala209Thr. To our knowledge, this variant has not been reported in the literature. This variant is reported in 0.00088% of alleles in individuals of European (Non-Finnish) descent in gnomAD. At this time, the clinical significance of this variant is uncertain due to the absence of conclusive functional and genetic evidence.

Labcorp Genetics (formerly Invitae), Labcorp
Classification: Uncertain significance for Brown-Vialetto-van Laere syndrome 2. Last evaluated: 2022-06-20. Review status: criteria provided, single submitter. Criteria: Invitae Variant Classification Sherloc (09022015). Collection method: clinical testing. Allele origin: germline.
Comment: This sequence change replaces alanine, which is neutral and non-polar, with threonine, which is neutral and polar, at codon 209 of the SLC52A2 protein (p.Ala209Thr). This variant is present in population databases (no rsID available, gnomAD 0.0009%). This variant has not been reported in the literature in individuals affected with SLC52A2-related conditions. ClinVar contains an entry for this variant (Variation ID: 845792). Advanced modeling of protein sequence and biophysical properties (such as structural, functional, and spatial information, amino acid conservation, physicochemical variation, residue mobility, and thermodynamic stability) performed at Invitae indicates that this missense variant is not expected to disrupt SLC52A2 protein function. In summary, the available evidence is currently insufficient to determine the role of this variant in disease. Therefore, it has been classified as a Variant of Uncertain Significance.